The following is an entry in ClinVar:

ClinVar aggregate classification (germline): Uncertain significance (1 of 4 stars; one submission).

Conditions:
Hereditary motor and sensory neuropathy, Okinawa type (HMSNO). Also called: HEREDITARY MOTOR AND SENSORY NEUROPATHY, PROXIMAL TYPE. Identifiers: Orphanet 90117, MedGen C1858338, MONDO:0011468, OMIM 604484.
Hereditary spastic paraplegia 57. Also called: Spastic paraplegia 57, autosomal recessive. Identifiers: Orphanet 431329, MedGen C3714897, MONDO:0014295, OMIM 615658.

Submission:

Labcorp Genetics (formerly Invitae), Labcorp
Classification: Uncertain significance for Hereditary motor and sensory neuropathy, Okinawa type; Hereditary spastic paraplegia 57. Last evaluated: 2024-08-21. Review status: criteria provided, single submitter. Criteria: Invitae Variant Classification Sherloc (09022015). Collection method: clinical testing. Allele origin: germline.
Comment: This sequence change replaces glutamine, which is neutral and polar, with histidine, which is basic and polar, at codon 242 of the TFG protein (p.Gln242His). This variant is not present in population databases (gnomAD no frequency). This variant has not been reported in the literature in individuals affected with TFG-related conditions. Invitae Evidence Modeling of protein sequence and biophysical properties (such as structural, functional, and spatial information, amino acid conservation, physicochemical variation, residue mobility, and thermodynamic stability) indicates that this missense variant is not expected to disrupt TFG protein function with a negative predictive value of 80%. In summary, the available evidence is currently insufficient to determine the role of this variant in disease. Therefore, it has been classified as a Variant of Uncertain Significance.

NM_006070.6(TFG):c.726G>T (p.Gln242His)

Gene: TFG (trafficking from ER to golgi regulator; plus strand). Cytogenetic location: 3q12.2.
Variant type: single nucleotide variant.
Coding change: c.726G>T on transcript NM_006070.6 (MANE Select); coding-DNA position 726, G replaced by T.
Protein change: p.Gln242His; replaces glutamine 242 with histidine.
Molecular consequence: missense variant.
Genome position (GRCh38, 1-based): chr3:100,744,837, G>T. VCF-style: chr3-100744837-G-T. GRCh37 (hg19) VCF-style: chr3-100463681-G-T.
Other names: c.726G>T, p.Gln242His (NM_001007565.2, NM_001195478.2); c.714G>T, p.Gln238His (NM_001195479.2); short protein forms Q238H, Q242H.
Identifiers: ClinVar variation 3757792 (VCV003757792.2).